The following is an entry in ClinVar:

NM_017662.5(TRPM6):c.4021T>A (p.Tyr1341Asn)

Gene: TRPM6 (transient receptor potential cation channel subfamily M member 6; minus strand). Cytogenetic location: 9q21.13.
Variant type: single nucleotide variant.
Coding change: c.4021T>A on transcript NM_017662.5 (MANE Select); coding-DNA position 4021, T replaced by A.
Protein change: p.Tyr1341Asn; replaces tyrosine 1341 with asparagine.
Molecular consequence: missense variant.
Genome position (GRCh38, 1-based): chr9:74,762,650, A>T on the plus strand (T>A on the coding strand, the complement: TRPM6 is on the minus strand). VCF-style: chr9-74762650-A-T. GRCh37 (hg19) VCF-style: chr9-77377566-A-T.
Other names: c.4021T>A (NM_017662.4); c.4006T>A, p.Tyr1336Asn (NM_001177310.2, NM_001177311.2); short protein forms Y1336N, Y1341N.
Identifiers: ClinVar variation 2065561 (VCV002065561.7), dbSNP rs199791095, ClinGen allele CA5084176.

ClinVar aggregate classification (germline): Uncertain significance. Review status: criteria provided, multiple submitters, no conflicts (2 of 4 stars). 4 submissions from 4 submitters: Uncertain significance (4). Last evaluated 2025-07-07.

Conditions:
Intestinal hypomagnesemia 1. Also called: HYPOMAGNESEMIA, INTESTINAL, WITH SECONDARY HYPOCALCEMIA; HYPOMAGNESEMIC TETANY. Identifiers: Orphanet 30924, MedGen C1865974, MONDO:0011176, OMIM 602014.
Inborn genetic diseases. Identifiers: MedGen C0950123, MeSH D030342.

Allele frequency attached by ClinVar (database versions not stated): TOPMed 0.00004; gnomAD 0.00006; ExAC 0.00007; gnomAD exomes 0.00007; 1000 Genomes Project 30x 0.00016; 1000 Genomes Project 0.00020.
gnomAD v4.1: 110 of 1,614,172 alleles (0.0068%); highest among the groups gnomAD compares: Middle Eastern, 0.016%; no homozygotes.

Submissions (4):

Labcorp Genetics (formerly Invitae), Labcorp
Classification: Uncertain significance. Last evaluated: 2025-07-07. Review status: criteria provided, single submitter. Criteria: Invitae Variant Classification Sherloc (09022015). Collection method: clinical testing. Allele origin: germline.
Comment: This sequence change replaces tyrosine, which is neutral and polar, with asparagine, which is neutral and polar, at codon 1341 of the TRPM6 protein (p.Tyr1341Asn). This variant is present in population databases (rs199791095, gnomAD 0.01%). This variant has not been reported in the literature in individuals affected with TRPM6-related conditions. ClinVar contains an entry for this variant (Variation ID: 2065561). An algorithm developed to predict the effect of missense changes on protein structure and function (PolyPhen-2) suggests that this variant is likely to be tolerated. In summary, the available evidence is currently insufficient to determine the role of this variant in disease. Therefore, it has been classified as a Variant of Uncertain Significance.

Ambry Genetics
Classification: Uncertain significance for Inborn genetic diseases. Last evaluated: 2025-04-14. Review status: criteria provided, single submitter. Criteria: Ambry Variant Classification Scheme 2023. Collection method: clinical testing. Allele origin: germline.

Fulgent Genetics
Classification: Uncertain significance for Intestinal hypomagnesemia 1. Last evaluated: 2024-04-25. Review status: criteria provided, single submitter. Criteria: ACMG Guidelines, 2015. Collection method: clinical testing. Allele origin: germline.

Blueprint Genetics
Classification: Uncertain significance. Last evaluated: 2023-09-06. Review status: criteria provided, single submitter. Criteria: ACMG Guidelines, 2015. Collection method: clinical testing. Allele origin: germline.